The following is an entry in ClinVar:

NM_001379500.1(COL18A1):c.107-12647G>A

Gene: COL18A1 (collagen type XVIII alpha 1 chain; plus strand). Cytogenetic location: 21q22.3.
Variant type: single nucleotide variant.
Coding change: c.107-12647G>A on transcript NM_001379500.1 (MANE Select); 12647 bases into the intron before coding-DNA position 107, G replaced by A.
Molecular consequence: intron variant. On other transcripts: missense variant (2).
Genome position (GRCh38, 1-based): chr21:45,455,595, G>A. VCF-style: chr21-45455595-G-A. GRCh37 (hg19) VCF-style: chr21-46875509-G-A.
Other names: c.65G>A, p.Arg22Gln (NM_030582.4, NM_130444.3); short protein forms R22Q.
Identifiers: ClinVar variation 2420642 (VCV002420642.3), dbSNP rs751529142, ClinGen allele CA10065377.

ClinVar aggregate classification (germline): Uncertain significance (1 of 4 stars; one submission).

Allele frequency attached by ClinVar (database versions not stated): TOPMed below 0.00001; ExAC 0.00001.
gnomAD v4.1: 10 of 1,613,902 alleles (0.00062%); highest among the groups gnomAD compares: Admixed American, 0.0033%; no homozygotes.

Submission:

Labcorp Genetics (formerly Invitae), Labcorp
Classification: Uncertain significance. Last evaluated: 2022-09-01. Review status: criteria provided, single submitter. Criteria: Invitae Variant Classification Sherloc (09022015). Collection method: clinical testing. Allele origin: germline.
Comment: The COL18A1 gene has multiple clinically relevant transcripts. This variant occurs in alternate transcript NM_030582.4, and corresponds to NM_130445.3:c.107-12647G>A in the primary transcript. This sequence change replaces arginine, which is basic and polar, with glutamine, which is neutral and polar, at codon 22 of the COL18A1 protein (p.Arg22Gln). This variant is present in population databases (rs751529142, gnomAD 0.006%). This variant has not been reported in the literature in individuals affected with COL18A1-related conditions. Experimental studies and prediction algorithms are not available or were not evaluated, and the functional significance of this variant is currently unknown. In summary, the available evidence is currently insufficient to determine the role of this variant in disease. Therefore, it has been classified as a Variant of Uncertain Significance.